The following is an entry in ClinVar:

NM_001127511.3(APC):c.-191T>A

Genes: APC (APC regulator of Wnt signaling pathway; plus strand), LOC129994371 (ATAC-STARR-seq lymphoblastoid active region 22910; plus strand). Cytogenetic location: 5q22.2.
Variant type: single nucleotide variant.
Coding change: c.-191T>A on transcript NM_001127511.3; 191 bases upstream of the start codon, T replaced by A.
Molecular consequence: 5 prime UTR variant. On other transcripts: non-coding transcript variant (2).
Genome position (GRCh38, 1-based): chr5:112,707,527, T>A. VCF-style: chr5-112707527-T-A. GRCh37 (hg19) VCF-style: chr5-112043224-T-A.
Other names: c.-1409T>A (NM_001407472.1, NM_001407470.1); c.-374T>A (NM_001354895.2, NM_001407447.1, NM_001407452.1 and 3 more transcripts); c.-191T>A (NM_001354897.2, NM_001354902.2, NM_001407446.1); c.-141T>A (NM_001407448.1, NM_001407450.1, NM_001407457.1 and 1 more transcripts); c.-165T>A (NM_001407453.1).
Identifiers: ClinVar variation 2693367 (VCV002693367.3), dbSNP rs879253783, ClinGen allele CA1080214723.

ClinVar aggregate classification (germline): Uncertain significance (1 of 4 stars; one submission).

Conditions:
Familial adenomatous polyposis 1 (FAP1). Also called: FAMILIAL ADENOMATOUS POLYPOSIS 1, ATTENUATED; POLYPOSIS, ADENOMATOUS INTESTINAL. Identifiers: MedGen C2713442, MONDO:0021056, OMIM 175100. Disease mechanism: loss of function.

Allele frequency attached by ClinVar (database versions not stated): gnomAD 0.00001.
gnomAD v4.1: 1 of 480,980 alleles (0.00021%); highest among the groups gnomAD compares: Non-Finnish European, 0.00037%; no homozygotes.

Submission:

Labcorp Genetics (formerly Invitae), Labcorp
Classification: Uncertain significance for Familial adenomatous polyposis 1. Last evaluated: 2023-11-05. Review status: criteria provided, single submitter. Criteria: Invitae Variant Classification Sherloc (09022015). Collection method: clinical testing. Allele origin: germline.
Comment: This variant occurs in a non-coding region of the APC gene. It does not change the encoded amino acid sequence of the APC protein. This variant is not present in population databases (gnomAD no frequency). This variant has not been reported in the literature in individuals affected with APC-related conditions. Experimental studies and prediction algorithms are not available or were not evaluated, and the functional significance of this variant is currently unknown. In summary, the available evidence is currently insufficient to determine the role of this variant in disease. Therefore, it has been classified as a Variant of Uncertain Significance.